The following is an entry in ClinVar:

ClinVar aggregate classification (germline): Conflicting classifications of pathogenicity. Review status: criteria provided, conflicting classifications (1 of 4 stars). 5 submissions from 5 submitters: Uncertain significance (3); Likely benign (2). Last evaluated 2026-01-04.

Conditions:
Autosomal recessive limb-girdle muscular dystrophy type 2Q (LGMDR17). Also called: MUSCULAR DYSTROPHY, LIMB-GIRDLE, AUTOSOMAL RECESSIVE 17. Identifiers: Orphanet 254361, MedGen C3150989, MONDO:0013390, OMIM 613723.
Epidermolysis bullosa simplex 5C, with pyloric atresia (EBS5C). Also called: PLEC1-Related Epidermolysis Bullosa with Pyloric Atresia; PLEC-Related Epidermolysis Bullosa with Pyloric Atresia; Epidermolysis bullosa simplex with pyloric atresia. Identifiers: Orphanet 158684, MedGen C2677349, MONDO:0012807, OMIM 612138.
Epidermolysis bullosa simplex with nail dystrophy (EBS5D). Identifiers: MedGen C4225309, MONDO:0014661, OMIM 616487.
Epidermolysis bullosa simplex, Ogna type (EBS5A). Also called: Pidermolysis bullosa simplex 5A, Ogna type; EPIDERMOLYSIS BULLOSA SIMPLEX 5A, OGNA TYPE. Identifiers: Orphanet 79401, MedGen C0432317, MONDO:0007555, OMIM 131950.
Epidermolysis bullosa simplex 5B, with muscular dystrophy (EBS5B). Also called: Epidermolysis bullosa simplex with muscular dystrophy; EPIDERMOLYSIS BULLOSA SIMPLEX AND LIMB-GIRDLE MUSCULAR DYSTROPHY. Identifiers: Orphanet 257, MedGen C2931072, MONDO:0009181, OMIM 226670.
Junctional epidermolysis bullosa with pyloric atresia. Also called: ITGB4-Related Epidermolysis Bullosa with Pyloric Atresia; Epidermolysis bullosa, junctional, with pyloric atresia and aplasia cutis congenita; Epidermolysis bullosa junctionalis with pyloric atresia; EPIDERMOLYSIS BULLOSA, JUNCTIONAL 5B, WITH PYLORIC ATRESIA; Junctional Epidermolysis Bullosa- Pyloric Atresia Syndrome; APLASIA CUTIS CONGENITA WITH GASTROINTESTINAL ATRESIA. Identifiers: Orphanet 79403, MedGen C5676875, MONDO:0009183, OMIM 226730.

Allele frequency attached by ClinVar (database versions not stated): gnomAD 0.00028 and 0.00034; TOPMed 0.00028; ESP Exome Variant Server 0.00033; gnomAD exomes 0.00038 and 0.00057; ExAC 0.00047; 1000 Genomes Project 0.00100; 1000 Genomes Project 30x 0.00125.
gnomAD v4.1: 889 of 1,613,108 alleles (0.055%); highest among the groups gnomAD compares: South Asian, 0.12%; 3 homozygotes.

Submissions (5):

Labcorp Genetics (formerly Invitae), Labcorp
Classification: Uncertain significance for Autosomal recessive limb-girdle muscular dystrophy type 2Q; Epidermolysis bullosa simplex, Ogna type; Epidermolysis bullosa simplex with nail dystrophy; Epidermolysis bullosa simplex 5C, with pyloric atresia; Epidermolysis bullosa simplex 5B, with muscular dystrophy. Last evaluated: 2026-01-04. Review status: criteria provided, single submitter. Criteria: Invitae Variant Classification Sherloc (09022015). Collection method: clinical testing. Allele origin: germline.
Comment: This sequence change replaces alanine, which is neutral and non-polar, with valine, which is neutral and non-polar, at codon 3706 of the PLEC protein (p.Ala3706Val). This variant is present in population databases (rs200060757, gnomAD 0.1%). This variant has not been reported in the literature in individuals affected with PLEC-related conditions. ClinVar contains an entry for this variant (Variation ID: 391777). An algorithm developed to predict the effect of missense changes on protein structure and function outputs the following: PolyPhen-2: "Benign". The valine amino acid residue is found in multiple mammalian species, which suggests that this missense change does not adversely affect protein function. In summary, the available evidence is currently insufficient to determine the role of this variant in disease. Therefore, it has been classified as a Variant of Uncertain Significance.

Blueprint Genetics
Classification: Likely benign. Last evaluated: 2024-11-01. Review status: criteria provided, single submitter. Criteria: ACMG Guidelines, 2015. Collection method: clinical testing. Allele origin: germline.

Department of Pathology and Laboratory Medicine, Sinai Health System
Classification: Uncertain significance for Epidermolysis bullosa simplex, Ogna type; Epidermolysis bullosa simplex 5B, with muscular dystrophy; Junctional epidermolysis bullosa with pyloric atresia; Epidermolysis bullosa simplex 5C, with pyloric atresia; Autosomal recessive limb-girdle muscular dystrophy type 2Q; Epidermolysis bullosa simplex with nail dystrophy. Last evaluated: 2022-06-15. Review status: criteria provided, single submitter. Criteria: ACMG Guidelines, 2015. Collection method: research. Allele origin: germline.

GeneDx
Classification: Likely benign. Last evaluated: 2020-12-14. Review status: criteria provided, single submitter. Criteria: GeneDx Variant Classification Process June 2021. Collection method: clinical testing. Allele origin: germline. Affected: yes.

Eurofins Ntd Llc (ga)
Classification: Uncertain significance. Last evaluated: 2017-09-19. Review status: criteria provided, single submitter. Criteria: EGL Classification Definitions 2015. Collection method: clinical testing. Allele origin: germline. Observed: 7 variant alleles, 7 heterozygotes.

NM_201384.3(PLEC):c.11036C>T (p.Ala3679Val)

Gene: PLEC (plectin; minus strand). Cytogenetic location: 8q24.3.
Variant type: single nucleotide variant.
Coding change: c.11036C>T on transcript NM_201384.3 (MANE Select); coding-DNA position 11036, C replaced by T.
Protein change: p.Ala3679Val; replaces alanine 3679 with valine.
Molecular consequence: missense variant.
Genome position (GRCh38, 1-based): chr8:143,918,785, G>A on the plus strand (C>T on the coding strand, the complement: PLEC is on the minus strand). VCF-style: chr8-143918785-G-A. GRCh37 (hg19) VCF-style: chr8-144992953-G-A.
Other names: c.11117C>T, p.Ala3706Val (NM_000445.5); c.10994C>T, p.Ala3665Val (NM_201378.4); c.10970C>T, p.Ala3657Val (NM_201379.3); c.11447C>T, p.Ala3816Val (NM_201380.4); c.10940C>T, p.Ala3647Val (NM_201381.3); c.11036C>T, p.Ala3679Val (NM_201382.4); c.11048C>T, p.Ala3683Val (NM_201383.3); short protein forms A3647V, A3657V, A3665V, A3679V, A3683V, A3706V, A3816V.
Identifiers: ClinVar variation 391777 (VCV000391777.19), dbSNP rs200060757, ClinGen allele CA4924452.
Genomic context (GRCh38, chr8:143,918,785, plus strand): 5'-CCGGGCAGGTAGACACCAGCCACGGAGCCCGTGCCATAGAGGTAGCACCAGGCGGACTCC[G>A]CCTCGAGAGCCTCACGGAGGCTCCTGGTGCCCTCCCGGAGCAGGTTGTAGGTCTCGAGAG-3'
Protein context (NP_958786.1, residues 3669-3689): GTRSLREALE[Ala3679Val]ESAWCYLYGT